The following is an entry in ClinVar:

ClinVar aggregate classification (germline): Uncertain significance (1 of 4 stars; one submission).

Allele frequency attached by ClinVar (database versions not stated): gnomAD exomes 0.00002.
gnomAD v4.1: 26 of 1,613,642 alleles (0.0016%); highest among the groups gnomAD compares: Non-Finnish European, 0.0022%; no homozygotes.

Submission:

Labcorp Genetics (formerly Invitae), Labcorp
Classification: Uncertain significance. Last evaluated: 2021-12-24. Review status: criteria provided, single submitter. Criteria: Invitae Variant Classification Sherloc (09022015). Collection method: clinical testing. Allele origin: germline.
Comment: This sequence change replaces glycine, which is neutral and non-polar, with aspartic acid, which is acidic and polar, at codon 861 of the WHRN protein (p.Gly861Asp). This variant is present in population databases (no rsID available, gnomAD 0.0009%). This variant has not been reported in the literature in individuals affected with WHRN-related conditions. Algorithms developed to predict the effect of missense changes on protein structure and function are either unavailable or do not agree on the potential impact of this missense change (SIFT: "Deleterious"; PolyPhen-2: "Probably Damaging"; Align-GVGD: "Class C0"). In summary, the available evidence is currently insufficient to determine the role of this variant in disease. Therefore, it has been classified as a Variant of Uncertain Significance.

NM_015404.4(WHRN):c.2582G>A (p.Gly861Asp)

Gene: WHRN (whirlin; minus strand). Cytogenetic location: 9q32.
Variant type: single nucleotide variant.
Coding change: c.2582G>A on transcript NM_015404.4 (MANE Select); coding-DNA position 2582, G replaced by A.
Protein change: p.Gly861Asp; replaces glycine 861 with aspartic acid.
Molecular consequence: missense variant.
Genome position (GRCh38, 1-based): chr9:114,402,896, C>T on the plus strand (G>A on the coding strand, the complement: WHRN is on the minus strand). VCF-style: chr9-114402896-C-T. GRCh37 (hg19) VCF-style: chr9-117165176-C-T.
Other names: c.1433G>A, p.Gly478Asp (NM_001083885.3); c.2579G>A, p.Gly860Asp (NM_001173425.2); c.1529G>A, p.Gly510Asp (NM_001346890.1); short protein forms G510D, G860D, G478D, G861D.
Identifiers: ClinVar variation 2057708 (VCV002057708.4), dbSNP rs1475454871, ClinGen allele CA374619011.
Genomic context (GRCh38, chr9:114,402,896, plus strand): 5'-GCGGCCTCCCGGTGCTCCTTGCCCCGAAGCGTCAGCCCATTCACTTCCAGAATCACGTGG[C>T]CCACCTTGAGCTGCCCACAGTTGTGAGCTGAGCCGCCTCTCTGCAGGGAGGAGACACAGG-3'
Protein context (NP_056219.3, residues 851-871): SAHNCGQLKV[Gly861Asp]HVILEVNGLT